The following is an entry in ClinVar:

ClinVar aggregate classification (germline): Likely benign (1 of 4 stars; one submission).

Submission:

Women's Health and Genetics/Laboratory Corporation of America, LabCorp
Classification: Likely benign. Last evaluated: 2025-03-11. Review status: criteria provided, single submitter. Criteria: LabCorp Variant Classification Summary - May 2015. Collection method: clinical testing. Allele origin: germline.
Comment: Variant summary: SIK1 c.804C>T alters a non-conserved nucleotide resulting in a synonymous change. Consensus agreement among computation tools predict no significant impact on normal splicing. However, these predictions have yet to be confirmed by functional studies. The variant was absent in 242856 control chromosomes. The available data on variant occurrences in the general population are insufficient to allow any conclusion about variant significance. To our knowledge, no occurrence of c.804C>T in individuals affected with Developmental And Epileptic Encephalopathy, 30 and no experimental evidence demonstrating its impact on protein function have been reported. No submitters have cited clinical-significance assessments for this variant to ClinVar. Based on the evidence outlined above, the variant was classified as likely benign.

NM_173354.5(SIK1):c.804C>T (p.Thr268=)

Gene: SIK1 (salt inducible kinase 1; minus strand). Cytogenetic location: 21q22.3.
Variant type: single nucleotide variant.
Coding change: c.804C>T on transcript NM_173354.5 (MANE Select); coding-DNA position 804, C replaced by T.
Protein change: p.Thr268=; no amino-acid change (threonine 268 retained).
Molecular consequence: synonymous variant.
Genome position (GRCh38, 1-based): chr21:43,420,402, G>A on the plus strand (C>T on the coding strand, the complement: SIK1 is on the minus strand). VCF-style: chr21-43420402-G-A. GRCh37 (hg19) VCF-style: chr21-44840282-G-A.
Identifiers: ClinVar variation 3895722 (VCV003895722.1).